The following is an entry in ClinVar:

ClinVar aggregate classification (germline): Uncertain significance. Review status: criteria provided, multiple submitters, no conflicts (2 of 4 stars). 2 submissions from 2 submitters: Uncertain significance (2). Last evaluated 2026-01-06.

Conditions:
Dilated cardiomyopathy 1DD (CMD1DD). Identifiers: Orphanet 154, MedGen C2750995, MONDO:0013168, OMIM 613172.
Cardiovascular phenotype. Identifiers: MedGen CN230736.

Allele frequency attached by ClinVar (database versions not stated): gnomAD 0.00001; TOPMed 0.00001.

Submissions (2):

Labcorp Genetics (formerly Invitae), Labcorp
Classification: Uncertain significance for Dilated cardiomyopathy 1DD. Last evaluated: 2026-01-06. Review status: criteria provided, single submitter. Criteria: Invitae Variant Classification Sherloc (09022015). Collection method: clinical testing. Allele origin: germline.
Comment: This sequence change replaces alanine, which is neutral and non-polar, with glycine, which is neutral and non-polar, at codon 1040 of the RBM20 protein (p.Ala1040Gly). This variant is not present in population databases (gnomAD no frequency). This variant has not been reported in the literature in individuals affected with RBM20-related conditions. ClinVar contains an entry for this variant (Variation ID: 238551). Invitae Evidence Modeling of protein sequence and biophysical properties (such as structural, functional, and spatial information, amino acid conservation, physicochemical variation, residue mobility, and thermodynamic stability) indicates that this missense variant is not expected to disrupt RBM20 protein function with a negative predictive value of 95%. In summary, the available evidence is currently insufficient to determine the role of this variant in disease. Therefore, it has been classified as a Variant of Uncertain Significance.

Ambry Genetics
Classification: Uncertain significance for Cardiovascular phenotype. Last evaluated: 2023-08-25. Review status: criteria provided, single submitter. Criteria: Ambry Variant Classification Scheme 2023. Collection method: clinical testing. Allele origin: germline.
Comment: The p.A1040G variant (also known as c.3119C>G), located in coding exon 11 of the RBM20 gene, results from a C to G substitution at nucleotide position 3119. The alanine at codon 1040 is replaced by glycine, an amino acid with similar properties. This amino acid position is conserved. In addition, this alteration is predicted to be tolerated by in silico analysis. Since supporting evidence is limited at this time, the clinical significance of this alteration remains unclear.

NM_001134363.3(RBM20):c.3119C>G (p.Ala1040Gly)

Gene: RBM20 (RNA binding motif protein 20; plus strand). Cytogenetic location: 10q25.2.
Variant type: single nucleotide variant.
Coding change: c.3119C>G on transcript NM_001134363.3 (MANE Select); coding-DNA position 3119, C replaced by G.
Protein change: p.Ala1040Gly; replaces alanine 1040 with glycine.
Molecular consequence: missense variant.
Genome position (GRCh38, 1-based): chr10:110,821,738, C>G. VCF-style: chr10-110821738-C-G. GRCh37 (hg19) VCF-style: chr10-112581496-C-G.
Other names: c.3119C>G (NM_001134363.1); short protein forms A1040G.
Identifiers: ClinVar variation 238551 (VCV000238551.11), dbSNP rs878854251, ClinGen allele CA10582707.